The following is an entry in ClinVar:

NM_020987.5(ANK3):c.12108G>A (p.Thr4036=)

Gene: ANK3 (ankyrin 3; minus strand). Cytogenetic location: 10q21.2.
Variant type: single nucleotide variant.
Coding change: c.12108G>A on transcript NM_020987.5 (MANE Select); coding-DNA position 12108, G replaced by A.
Protein change: p.Thr4036=; no amino-acid change (threonine 4036 retained).
Molecular consequence: synonymous variant. On other transcripts: intron variant (4).
Genome position (GRCh38, 1-based): chr10:60,068,773, C>T on the plus strand (G>A on the coding strand, the complement: ANK3 is on the minus strand). VCF-style: chr10-60068773-C-T. GRCh37 (hg19) VCF-style: chr10-61828531-C-T.
Other names: c.4388-764G>A (NM_001204403.2); c.4409-764G>A (NM_001204404.2); c.4406-764G>A (NM_001320874.2); c.1808-764G>A (NM_001149.4).
Identifiers: ClinVar variation 752964 (VCV000752964.27), dbSNP rs763160108, ClinGen allele CA5510974.

ClinVar aggregate classification (germline): Likely benign. Review status: criteria provided, multiple submitters, no conflicts (2 of 4 stars). 2 submissions from 2 submitters: Likely benign (2). Last evaluated 2023-02-01.

Allele frequency attached by ClinVar (database versions not stated): TOPMed 0.00002; gnomAD 0.00004 and 0.00005; gnomAD exomes 0.00004; ExAC 0.00005.
gnomAD v4.1: 28 of 1,614,220 alleles (0.0017%); highest among the groups gnomAD compares: South Asian, 0.0088%; no homozygotes.

Submissions (2):

CeGaT Center for Human Genetics Tuebingen
Classification: Likely benign. Last evaluated: 2023-02-01. Review status: criteria provided, single submitter. Criteria: CeGaT Center For Human Genetics Tuebingen Variant Classification Criteria Version 2. Collection method: clinical testing. Allele origin: germline. Affected: yes. Observed: 1 variant allele.
Comment: ANK3: BP4, BP7

Labcorp Genetics (formerly Invitae), Labcorp
Classification: Likely benign. Last evaluated: 2018-07-02. Review status: criteria provided, single submitter. Criteria: Invitae Variant Classification Sherloc (09022015). Collection method: clinical testing. Allele origin: germline.